The following is an entry in ClinVar:

ClinVar aggregate classification (germline): Uncertain significance (1 of 4 stars; one submission).

Submission:

Labcorp Genetics (formerly Invitae), Labcorp
Classification: Uncertain significance. Last evaluated: 2022-03-11. Review status: criteria provided, single submitter. Criteria: Invitae Variant Classification Sherloc (09022015). Collection method: clinical testing. Allele origin: germline.
Comment: This sequence change replaces methionine, which is neutral and non-polar, with threonine, which is neutral and polar, at codon 332 of the SMARCD2 protein (p.Met332Thr). This variant is not present in population databases (gnomAD no frequency). This variant has not been reported in the literature in individuals affected with SMARCD2-related conditions. Algorithms developed to predict the effect of missense changes on protein structure and function (SIFT, PolyPhen-2, Align-GVGD) all suggest that this variant is likely to be disruptive. In summary, the available evidence is currently insufficient to determine the role of this variant in disease. Therefore, it has been classified as a Variant of Uncertain Significance.

NM_001098426.2(SMARCD2):c.995T>C (p.Met332Thr)

Gene: SMARCD2 (SWI/SNF related BAF chromatin remodeling complex subunit D2; minus strand). Cytogenetic location: 17q23.3.
Variant type: single nucleotide variant.
Coding change: c.995T>C on transcript NM_001098426.2 (MANE Select); coding-DNA position 995, T replaced by C.
Protein change: p.Met332Thr; replaces methionine 332 with threonine.
Molecular consequence: missense variant.
Genome position (GRCh38, 1-based): chr17:63,834,255, A>G on the plus strand (T>C on the coding strand, the complement: SMARCD2 is on the minus strand). VCF-style: chr17-63834255-A-G. GRCh37 (hg19) VCF-style: chr17-61911615-A-G.
Other names: c.770T>C, p.Met257Thr (NM_001330439.1); c.851T>C, p.Met284Thr (NM_001330440.2); short protein forms M284T, M257T, M332T.
Identifiers: ClinVar variation 2070614 (VCV002070614.1), dbSNP rs2511439141, ClinGen allele CA400599700.
Genomic context (GRCh38, chr17:63,834,255, plus strand): 5'-TACTCCCGCTCGTGCCCATCCTGCAGCTGGTTGTGCTTGATGTAAAGCCACAGGGCCTGC[A>G]TGATGGCGGCCCTCGTCTGCGTGTGCACTCCCAGCAGCCTTGCCAATCGGGGGTCCAATT-3'
Protein context (NP_001091896.1, residues 322-342): GVHTQTRAAI[Met332Thr]QALWLYIKHN